The following is an entry in ClinVar:

ClinVar aggregate classification (germline): Uncertain significance (1 of 4 stars; one submission).

gnomAD v4.1: 4 of 1,523,594 alleles (0.00026%); highest among the groups gnomAD compares: Middle Eastern, 0.023%; no homozygotes.

Submission:

Women's Health and Genetics/Laboratory Corporation of America, LabCorp
Classification: Uncertain significance. Last evaluated: 2026-01-06. Review status: criteria provided, single submitter. Criteria: LabCorp Variant Classification Summary - May 2015. Collection method: clinical testing. Allele origin: germline.
Comment: Variant summary: MRAS c.-14G>A is located in the untranslated mRNA region upstream of the initiation codon. The variant allele was found at a frequency of 5.7e-06 in 176184 control chromosomes. The available data on variant occurrences in the general population are insufficient to allow any conclusion about variant significance. To our knowledge, no occurrence of c.-14G>A in individuals affected with MRAS-related conditions and no experimental evidence demonstrating its impact on protein function have been reported. No submitters have cited clinical-significance assessments for this variant to ClinVar. Based on the evidence outlined above, the variant was classified as uncertain significance.

NM_001085049.3(MRAS):c.-14G>A

Gene: MRAS (muscle RAS oncogene homolog; plus strand). Cytogenetic location: 3q22.3.
Variant type: single nucleotide variant.
Coding change: c.-14G>A on transcript NM_001085049.3 (MANE Select); 14 bases upstream of the start codon, G replaced by A.
Molecular consequence: 5 prime UTR variant. On other transcripts: intron variant (3).
Genome position (GRCh38, 1-based): chr3:138,372,870, G>A. VCF-style: chr3-138372870-G-A. GRCh37 (hg19) VCF-style: chr3-138091712-G-A.
Other names: c.-14G>A (NM_001252090.2, NM_012219.4); c.-35-24454G>A (NM_001252091.1); c.-36+24103G>A (NM_001252093.2); c.-36+23838G>A (NM_001252092.2).
Identifiers: ClinVar variation 4689627 (VCV004689627.1).